The following is an entry in ClinVar:

NM_206937.2(LIG4):c.814A>T (p.Thr272Ser)

Gene: LIG4 (DNA ligase 4; minus strand). Cytogenetic location: 13q33.3.
Variant type: single nucleotide variant.
Coding change: c.814A>T on transcript NM_206937.2 (MANE Select); coding-DNA position 814, A replaced by T.
Protein change: p.Thr272Ser; replaces threonine 272 with serine.
Molecular consequence: missense variant.
Genome position (GRCh38, 1-based): chr13:108,210,455, T>A on the plus strand (A>T on the coding strand, the complement: LIG4 is on the minus strand). VCF-style: chr13-108210455-T-A. GRCh37 (hg19) VCF-style: chr13-108862803-T-A.
Other names: c.814A>T, p.Thr272Ser (NM_001098268.2, NM_001352598.2, NM_001352599.2 and 6 more transcripts); c.613A>T, p.Thr205Ser (NM_001330595.2); c.850A>T, p.Thr284Ser (NM_001352604.2); short protein forms T205S, T284S, T272S.
Identifiers: ClinVar variation 1444809 (VCV001444809.5), dbSNP rs2138977743, ClinGen allele CA388620048.

ClinVar aggregate classification (germline): Uncertain significance (1 of 4 stars; one submission).

Conditions:
DNA ligase IV deficiency. Identifiers: Orphanet 99812, MedGen C1847827, MONDO:0011686, OMIM 606593.

Submission:

Labcorp Genetics (formerly Invitae), Labcorp
Classification: Uncertain significance for DNA ligase IV deficiency. Last evaluated: 2022-07-26. Review status: criteria provided, single submitter. Criteria: Invitae Variant Classification Sherloc (09022015). Collection method: clinical testing. Allele origin: germline.
Comment: ClinVar contains an entry for this variant (Variation ID: 1444809). In summary, the available evidence is currently insufficient to determine the role of this variant in disease. Therefore, it has been classified as a Variant of Uncertain Significance. Algorithms developed to predict the effect of missense changes on protein structure and function are either unavailable or do not agree on the potential impact of this missense change (SIFT: "Tolerated"; PolyPhen-2: "Possibly Damaging"; Align-GVGD: "Class C0"). This variant has not been reported in the literature in individuals affected with LIG4-related conditions. This variant is not present in population databases (gnomAD no frequency). This sequence change replaces threonine, which is neutral and polar, with serine, which is neutral and polar, at codon 272 of the LIG4 protein (p.Thr272Ser).